The following is an entry in ClinVar:

NM_003482.4(KMT2D):c.13715A>G (p.Asn4572Ser)

Gene: KMT2D (lysine methyltransferase 2D; minus strand). Cytogenetic location: 12q13.12.
Variant type: single nucleotide variant.
Coding change: c.13715A>G on transcript NM_003482.4 (MANE Select); coding-DNA position 13715, A replaced by G.
Protein change: p.Asn4572Ser; replaces asparagine 4572 with serine.
Molecular consequence: missense variant.
Genome position (GRCh38, 1-based): chr12:49,030,725, T>C on the plus strand (A>G on the coding strand, the complement: KMT2D is on the minus strand). VCF-style: chr12-49030725-T-C. GRCh37 (hg19) VCF-style: chr12-49424508-T-C.
Other names: short protein forms N4572S.
Identifiers: ClinVar variation 430811 (VCV000430811.2), dbSNP rs777292389, ClinGen allele CA6545916.

ClinVar aggregate classification (germline): Uncertain significance (1 of 4 stars; one submission).

Conditions:
Kabuki syndrome 1 (KABUK1). Also called: KMT2D-Related Kabuki Syndrome. Identifiers: Orphanet 2322, MedGen CN030661, MONDO:0007843, OMIM 147920.

Allele frequency attached by ClinVar (database versions not stated): gnomAD exomes below 0.00001 and 0.00001; ExAC 0.00001; gnomAD 0.00001; TOPMed 0.00005.
gnomAD v4.1: 7 of 1,613,544 alleles (0.00043%); highest among the groups gnomAD compares: South Asian, 0.0033%; no homozygotes.

Submission:

Baylor-Hopkins Center for Mendelian Genomics, Johns Hopkins University School of Medicine
Classification: Uncertain significance for Kabuki syndrome 1. Review status: criteria provided, single submitter. Criteria: ACMG Guidelines, 2015. Collection method: research. Allele origin: unknown. Affected: yes. Observed: 1 variant allele.

Literature cited by the submitters: PubMed 29255178.